The following is an entry in ClinVar:

NM_004990.4(MARS1):c.1012A>C (p.Ile338Leu)

Gene: MARS1 (methionyl-tRNA synthetase 1; plus strand). Cytogenetic location: 12q13.3.
Variant type: single nucleotide variant.
Coding change: c.1012A>C on transcript NM_004990.4 (MANE Select); coding-DNA position 1012, A replaced by C.
Protein change: p.Ile338Leu; replaces isoleucine 338 with leucine.
Molecular consequence: missense variant.
Genome position (GRCh38, 1-based): chr12:57,498,544, A>C. VCF-style: chr12-57498544-A-C. GRCh37 (hg19) VCF-style: chr12-57892327-A-C.
Other names: short protein forms I338L.
Identifiers: ClinVar variation 2229642 (VCV002229642.4), dbSNP rs376268814, ClinGen allele CA6650384.

ClinVar aggregate classification (germline): Uncertain significance. Review status: criteria provided, multiple submitters, no conflicts (2 of 4 stars). 2 submissions from 2 submitters: Uncertain significance (2). Last evaluated 2024-09-01.

Conditions:
Severe early-onset pulmonary alveolar proteinosis due to MARS deficiency. Also called: PULMONARY ALVEOLAR PROTEINOSIS, REUNION ISLAND; Interstitial lung and liver disease. Identifiers: Orphanet 440427, MedGen C4225400, MONDO:0014206, OMIM 615486.
Charcot-Marie-Tooth disease axonal type 2U. Also called: CHARCOT-MARIE-TOOTH DISEASE, AXONAL, AUTOSOMAL DOMINANT, TYPE 2U; CHARCOT-MARIE-TOOTH NEUROPATHY, TYPE 2U. Identifiers: Orphanet 397735, MedGen C4084821, MONDO:0014566, OMIM 616280.

Allele frequency attached by ClinVar (database versions not stated): ESP Exome Variant Server 0.00008.
gnomAD v4.1: 7 of 1,614,100 alleles (0.00043%); no homozygotes.

Submissions (2):

Labcorp Genetics (formerly Invitae), Labcorp
Classification: Uncertain significance for Charcot-Marie-Tooth disease axonal type 2U; Severe early-onset pulmonary alveolar proteinosis due to MARS deficiency. Last evaluated: 2024-09-01. Review status: criteria provided, single submitter. Criteria: Invitae Variant Classification Sherloc (09022015). Collection method: clinical testing. Allele origin: germline.
Comment: This sequence change replaces isoleucine, which is neutral and non-polar, with leucine, which is neutral and non-polar, at codon 338 of the MARS protein (p.Ile338Leu). This variant is present in population databases (rs376268814, gnomAD 0.02%). This variant has not been reported in the literature in individuals affected with MARS-related conditions. ClinVar contains an entry for this variant (Variation ID: 2229642). An algorithm developed to predict the effect of missense changes on protein structure and function (PolyPhen-2) suggests that this variant is likely to be tolerated. In summary, the available evidence is currently insufficient to determine the role of this variant in disease. Therefore, it has been classified as a Variant of Uncertain Significance.

Ambry Genetics
Classification: Uncertain significance. Last evaluated: 2021-10-18. Review status: criteria provided, single submitter. Criteria: Ambry Variant Classification Scheme 2023. Collection method: clinical testing. Allele origin: germline.